The following is an entry in ClinVar:

NM_182916.3(TRNT1):c.1056+3A>C

Gene: TRNT1 (tRNA nucleotidyl transferase 1; plus strand). Cytogenetic location: 3p26.2.
Variant type: single nucleotide variant.
Coding change: c.1056+3A>C on transcript NM_182916.3 (MANE Select); 3 bases into the intron after coding-DNA position 1056, A replaced by C.
Molecular consequence: intron variant.
Genome position (GRCh38, 1-based): chr3:3,147,706, A>C. VCF-style: chr3-3147706-A-C. GRCh37 (hg19) VCF-style: chr3-3189390-A-C.
Other names: c.1056+3A>C (NM_001367321.1, NM_001367323.1, NM_001367322.1); c.996+3A>C (NM_001302946.2).
Identifiers: ClinVar variation 2131273 (VCV002131273.4), dbSNP rs2471352559, ClinGen allele CA2580069160.

ClinVar aggregate classification (germline): Uncertain significance (1 of 4 stars; one submission).

Conditions:
Congenital sideroblastic anemia-B-cell immunodeficiency-periodic fever-developmental delay syndrome. Also called: Sideroblastic anemia with B-cell immunodeficiency, periodic fevers, and developmental delay. Identifiers: Orphanet 369861, MedGen C4015172, MONDO:0014487, OMIM 616084.

Submission:

Labcorp Genetics (formerly Invitae), Labcorp
Classification: Uncertain significance for Congenital sideroblastic anemia-B-cell immunodeficiency-periodic fever-developmental delay syndrome. Last evaluated: 2024-02-24. Review status: criteria provided, single submitter. Criteria: Invitae Variant Classification Sherloc (09022015). Collection method: clinical testing. Allele origin: germline.
Comment: This sequence change falls in intron 7 of the TRNT1 gene. It does not directly change the encoded amino acid sequence of the TRNT1 protein. It affects a nucleotide within the consensus splice site. This variant is not present in population databases (gnomAD no frequency). This variant has not been reported in the literature in individuals affected with TRNT1-related conditions. ClinVar contains an entry for this variant (Variation ID: 2131273). Variants that disrupt the consensus splice site are a relatively common cause of aberrant splicing (PMID: 17576681, 9536098). Algorithms developed to predict the effect of sequence changes on RNA splicing suggest that this variant may disrupt the consensus splice site. In summary, the available evidence is currently insufficient to determine the role of this variant in disease. Therefore, it has been classified as a Variant of Uncertain Significance.

Literature cited by the submitters: PubMed 17576681; PubMed 9536098.